The following is an entry in ClinVar:

ClinVar aggregate classification (germline): Uncertain significance. Review status: criteria provided, multiple submitters, no conflicts (2 of 4 stars). 4 submissions from 4 submitters: Uncertain significance (4). Last evaluated 2025-06-09.

Conditions:
Cardiovascular phenotype. Identifiers: MedGen CN230736.
Alstrom syndrome (ALMS). Identifiers: Orphanet 64, MedGen C0268425, MONDO:0008763, OMIM 203800.

Allele frequency attached by ClinVar (database versions not stated): TOPMed 0.00001.
gnomAD v4.1: 3 of 1,614,092 alleles (0.00019%); highest among the groups gnomAD compares: Non-Finnish European, 0.00025%; no homozygotes.

Submissions (4):

Ambry Genetics
Classification: Uncertain significance for Cardiovascular phenotype. Last evaluated: 2025-06-09. Review status: criteria provided, single submitter. Criteria: Ambry Variant Classification Scheme 2023. Collection method: clinical testing. Allele origin: germline.
Comment: The p.Y3820N variant (also known as c.11458T>A), located in coding exon 16 of the ALMS1 gene, results from a T to A substitution at nucleotide position 11458. The tyrosine at codon 3820 is replaced by asparagine, an amino acid with dissimilar properties. This amino acid position is not well conserved in available vertebrate species. In addition, the in silico prediction for this alteration is inconclusive. Based on the available evidence, the clinical significance of this variant remains unclear.

Labcorp Genetics (formerly Invitae), Labcorp
Classification: Uncertain significance for Alstrom syndrome. Last evaluated: 2022-03-18. Review status: criteria provided, single submitter. Criteria: Invitae Variant Classification Sherloc (09022015). Collection method: clinical testing. Allele origin: germline.
Comment: This sequence change replaces tyrosine, which is neutral and polar, with asparagine, which is neutral and polar, at codon 3820 of the ALMS1 protein (p.Tyr3820Asn). This variant is not present in population databases (gnomAD no frequency). This variant has not been reported in the literature in individuals affected with ALMS1-related conditions. ClinVar contains an entry for this variant (Variation ID: 1307887). Experimental studies and prediction algorithms are not available or were not evaluated, and the functional significance of this variant is currently unknown. In summary, the available evidence is currently insufficient to determine the role of this variant in disease. Therefore, it has been classified as a Variant of Uncertain Significance.

Fulgent Genetics
Classification: Uncertain significance for Alstrom syndrome. Last evaluated: 2022-02-08. Review status: criteria provided, single submitter. Criteria: ACMG Guidelines, 2015. Collection method: clinical testing. Allele origin: unknown.

GeneDx
Classification: Uncertain significance. Last evaluated: 2019-08-12. Review status: criteria provided, single submitter. Criteria: GeneDx Variant Classification Process June 2021. Collection method: clinical testing. Allele origin: germline. Affected: yes.
Comment: Has not been previously published as pathogenic or benign to our knowledge; Not observed in large population cohorts (Lek et al., 2016); In-silico analysis, which includes protein predictors and evolutionary conservation, is inconclusive as to whether the variant alters gene splicing.

NM_001378454.1(ALMS1):c.11455T>A (p.Tyr3819Asn)

Gene: ALMS1 (ALMS1 centrosome and basal body associated protein; plus strand). Cytogenetic location: 2p13.1.
Variant type: single nucleotide variant.
Coding change: c.11455T>A on transcript NM_001378454.1 (MANE Select); coding-DNA position 11455, T replaced by A.
Protein change: p.Tyr3819Asn; replaces tyrosine 3819 with asparagine.
Molecular consequence: missense variant.
Genome position (GRCh38, 1-based): chr2:73,573,332, T>A. VCF-style: chr2-73573332-T-A. GRCh37 (hg19) VCF-style: chr2-73800459-T-A.
Other names: c.11458T>A, p.Tyr3820Asn (NM_015120.4); short protein forms Y3819N, Y3820N.
Identifiers: ClinVar variation 1307887 (VCV001307887.6), dbSNP rs761539239, ClinGen allele CA347290088.